The following is an entry in ClinVar:

ClinVar aggregate classification (germline): Conflicting classifications of pathogenicity. Review status: criteria provided, conflicting classifications (1 of 4 stars). 4 submissions from 4 submitters: Uncertain significance (2); Likely benign (1). 1 of the submissions does not count toward it. Last evaluated 2025-06-10.

Conditions:
Hereditary cancer-predisposing syndrome. Also called: Neoplastic Syndromes, Hereditary; Hereditary Cancer Syndrome; Tumor predisposition; Hereditary neoplastic syndrome. Identifiers: Orphanet 140162, MedGen C0027672, MeSH D009386, MONDO:0015356.
Familial cancer of breast. Also called: Hereditary breast cancer; BREAST CANCER, FAMILIAL; hereditary breast carcinoma. Identifiers: Orphanet 227535, MedGen C0346153, MONDO:0016419, OMIM 114480. Disease mechanism: loss of function.
Ataxia-telangiectasia syndrome (AT). Also called: LOUIS-BAR SYNDROME; Cerebello-oculocutaneous telangiectasia; Immunodeficiency with ataxia telangiectasia; Ataxia-telangiectasia, complementation group D; AT, COMPLEMENTATION GROUP C; Ataxia-telangiectasia, complementation group E. Identifiers: Orphanet 100, MedGen C0004135, MONDO:0008840, OMIM 208900.

Submissions (4):

Labcorp Genetics (formerly Invitae), Labcorp
Classification: Uncertain significance for Ataxia-telangiectasia syndrome. Last evaluated: 2025-06-10. Review status: criteria provided, single submitter. Criteria: Invitae Variant Classification Sherloc (09022015). Collection method: clinical testing. Allele origin: germline.
Comment: This sequence change replaces glutamine, which is neutral and polar, with glutamic acid, which is acidic and polar, at codon 2066 of the ATM protein (p.Gln2066Glu). This variant is not present in population databases (gnomAD no frequency). This variant has not been reported in the literature in individuals affected with ATM-related conditions. ClinVar contains an entry for this variant (Variation ID: 453616). An algorithm developed to predict the effect of missense changes on protein structure and function outputs the following: PolyPhen-2: "Benign". The glutamic acid amino acid residue is found in multiple mammalian species, which suggests that this missense change does not adversely affect protein function. In summary, the available evidence is currently insufficient to determine the role of this variant in disease. Therefore, it has been classified as a Variant of Uncertain Significance.

Ambry Genetics
Classification: Likely benign for Hereditary cancer-predisposing syndrome. Last evaluated: 2023-11-29. Review status: criteria provided, single submitter. Criteria: Ambry Variant Classification Scheme 2023. Collection method: clinical testing. Allele origin: germline.

Baylor Genetics
Classification: Uncertain significance for Familial cancer of breast. Last evaluated: 2023-05-26. Review status: criteria provided, single submitter. Criteria: ACMG Guidelines, 2015. Collection method: clinical testing. Allele origin: unknown.

Natera, Inc.
Classification: Uncertain significance for Ataxia-telangiectasia. Last evaluated: 2021-01-14. Review status: no assertion criteria provided. Collection method: clinical testing. Allele origin: germline. Not counted in ClinVar's aggregate classification.

NM_000051.4(ATM):c.6196C>G (p.Gln2066Glu)

Genes: ATM (ATM serine/threonine kinase; plus strand), C11orf65 (chromosome 11 open reading frame 65; minus strand). Cytogenetic location: 11q22.3.
Variant type: single nucleotide variant.
Coding change: c.6196C>G on transcript NM_000051.4 (MANE Select); coding-DNA position 6196, C replaced by G.
Protein change: p.Gln2066Glu; replaces glutamine 2066 with glutamic acid.
Molecular consequence: missense variant. On other transcripts: intron variant (2).
Genome position (GRCh38, 1-based): chr11:108,316,111, C>G. VCF-style: chr11-108316111-C-G. GRCh37 (hg19) VCF-style: chr11-108186838-C-G.
Other names: c.6196C>G, p.Gln2066Glu (NM_001351834.2); c.641-7040G>C (NM_001330368.2); c.*39-7040G>C (NM_001351110.2); short protein forms Q2066E.
Identifiers: ClinVar variation 453616 (VCV000453616.25), dbSNP rs1361215494, ClinGen allele CA382550803.
Genomic context (GRCh38, chr11:108,316,111, plus strand): 5'-CTAGTAACATATGACCTCGAAACAGCAATCCCCTCATCAACACGCCAGGCAGGAATCATT[C>G]AGGTACATTTTTTCCCAGATTTGGTAAAGCCATCACTAGTGTAGTGCTGAGGTTATTTCA-3'
Protein context (NP_000042.3, residues 2056-2076): PSSTRQAGII[Gln2066Glu]ALQNLGLCHI